The following is an entry in ClinVar:

ClinVar aggregate classification (germline): Pathogenic. Review status: criteria provided, multiple submitters, no conflicts (2 of 4 stars). 2 submissions from 2 submitters: Pathogenic (2). Last evaluated 2025-11-18.

Conditions:
Familial cancer of breast. Also called: Hereditary breast cancer; BREAST CANCER, FAMILIAL; hereditary breast carcinoma. Identifiers: Orphanet 227535, MedGen C0346153, MONDO:0016419, OMIM 114480. Disease mechanism: loss of function.

Submissions (2):

Department of Clinical Genetics, Copenhagen University Hospital, Rigshospitalet
Classification: Pathogenic for Familial cancer of breast. Last evaluated: 2025-11-18. Review status: criteria provided, single submitter. Criteria: ACMG Guidelines, 2015. Collection method: clinical testing. Allele origin: germline.
Comment: The following ACMG criteria has been used: PM2_SUP; PVS1; PM5_Strong (PTC)

Center for Genomic Medicine, Rigshospitalet, Copenhagen University Hospital
Classification: Pathogenic. Last evaluated: 2025-03-04. Review status: criteria provided, single submitter. Criteria: ACMG Guidelines, 2015. Collection method: clinical testing. Allele origin: germline.

NM_007294.4(BRCA1):c.2076dup (p.Asp693Ter)

Gene: BRCA1 (BRCA1 DNA repair associated; minus strand). Cytogenetic location: 17q21.31.
Variant type: Duplication.
Coding change: c.2076dup on transcript NM_007294.4 (MANE Select); coding-DNA position 2076, one base duplicated (T; older notation c.2076dupT).
Protein change: p.Asp693Ter; replaces aspartic acid 693 with a stop codon.
Molecular consequence: nonsense. On other transcripts: intron variant (137).
Genome position (GRCh38, 1-based): chr17:43,093,455, A duplicated on the plus strand (T on the coding strand, the reverse complement: BRCA1 is on the minus strand). VCF-style (leftmost placement, unchanged base first): chr17-43093454-C-CA. GRCh37 (hg19) VCF-style: chr17-41245471-C-CA.
Other names: c.2073dup, p.Asp692Ter (NM_001407590.1, NM_001407591.1, NM_001407610.1 and 22 more transcripts); c.2076dup, p.Asp693Ter (NM_001407593.1, NM_001407594.1, NM_001407596.1 and 30 more transcripts); c.643+1289dup (NM_001408470.1, NM_001408464.1, NM_001408468.1 and 3 more transcripts); c.646+1289dup (NM_001408469.1, NM_001408453.1, NM_001408461.1 and 11 more transcripts); c.784+1289dup (NM_001408397.1, NM_001408401.1, NM_001408396.1 and 13 more transcripts); c.664+1289dup (NM_001408436.1, NM_001408429.1, NM_001408442.1 and 12 more transcripts); c.787+1289dup (NM_001407980.1, NM_001407993.1, NM_001407976.1 and 19 more transcripts); c.652+1289dup (NM_001408451.1); and 41 more; short protein forms D397*, D525*, D565*, D566*, D581*, D582*, D604*, D605*.
Identifiers: ClinVar variation 2691998 (VCV002691998.3), dbSNP rs2552194047, ClinGen allele CA2697554268.